The following is an entry in ClinVar:

NM_000038.6(APC):c.1974_1976dup (p.Glu658_Asn659insLys)

Gene: APC (APC regulator of Wnt signaling pathway; plus strand). Cytogenetic location: 5q22.2.
Variant type: Duplication.
Coding change: c.1974_1976dup on transcript NM_000038.6 (MANE Select); coding-DNA positions 1974 to 1976, 3 bases duplicated (GAA; older notation c.1974_1976dupGAA).
Protein change: p.Glu658_Asn659insLys.
Molecular consequence: inframe insertion. On other transcripts: non-coding transcript variant (2).
Genome position (GRCh38, 1-based): chr5:112,837,568-112,837,570, GAA duplicated; duplicating any 3 consecutive bases within chr5:112,837,567-112,837,570 gives the same sequence; the c. name uses the placement nearest the transcript's 3' end. VCF-style (leftmost placement, unchanged base first): chr5-112837566-G-GAGA. GRCh37 (hg19) VCF-style: chr5-112173263-G-GAGA.
Other names: c.1974_1976dup, p.Glu658_Asn659insLys (NM_001127510.3, NM_001354895.2, NM_001407450.1); c.1920_1922dup, p.Glu640_Asn641insLys (NM_001127511.3); c.2028_2030dup, p.Glu676_Asn677insLys (NM_001354896.2, NM_001407447.1, NM_001407448.1 and 1 more transcripts); c.2004_2006dup, p.Glu668_Asn669insLys (NM_001354897.2); c.1899_1901dup, p.Glu633_Asn634insLys (NM_001354898.2); c.1890_1892dup, p.Glu630_Asn631insLys (NM_001354899.2); c.1851_1853dup, p.Glu617_Asn618insLys (NM_001354900.2); c.1797_1799dup, p.Glu599_Asn600insLys (NM_001354901.2, NM_001407453.1); and 11 more.
Identifiers: ClinVar variation 4724391 (VCV004724391.1).
Genomic context (GRCh38, chr5:112,837,566, plus strand): 5'-CATACACATTGTGACCTTAATTTTGTGATCTCTTGATTTTATTTCAGGCAAATCCTAAGA[G>GAGA]AGAACAACTGTCTACAAACTTTATTACAACACTTAAAATCTCATAGTTTGACAATAGTCA-3'

ClinVar aggregate classification (germline): Uncertain significance (1 of 4 stars; one submission).

Conditions:
Familial adenomatous polyposis 1 (FAP1). Also called: FAMILIAL ADENOMATOUS POLYPOSIS 1, ATTENUATED; POLYPOSIS, ADENOMATOUS INTESTINAL. Identifiers: MedGen C2713442, MONDO:0021056, OMIM 175100. Disease mechanism: loss of function.

Submission:

Labcorp Genetics (formerly Invitae), Labcorp
Classification: Uncertain significance for Familial adenomatous polyposis 1. Last evaluated: 2025-07-30. Review status: criteria provided, single submitter. Criteria: Invitae Variant Classification Sherloc (09022015). Collection method: clinical testing. Allele origin: germline.
Comment: This variant, c.1974_1976dup, results in the insertion of 1 amino acid(s) of the APC protein (p.Glu658_Asn659insLys), but otherwise preserves the integrity of the reading frame. This variant is not present in population databases (gnomAD no frequency). This variant has not been reported in the literature in individuals affected with APC-related conditions. In summary, the available evidence is currently insufficient to determine the role of this variant in disease. Therefore, it has been classified as a Variant of Uncertain Significance.